The following is an entry in ClinVar:

NM_000203.5(IDUA):c.613T>A (p.Cys205Ser)

Gene: IDUA (alpha-L-iduronidase; plus strand). Cytogenetic location: 4p16.3.
Variant type: single nucleotide variant.
Coding change: c.613T>A on transcript NM_000203.5 (MANE Select); coding-DNA position 613, T replaced by A.
Protein change: p.Cys205Ser; replaces cysteine 205 with serine.
Molecular consequence: missense variant. On other transcripts: non-coding transcript variant (1).
Genome position (GRCh38, 1-based): chr4:1,001,702, T>A. VCF-style: chr4-1001702-T-A. GRCh37 (hg19) VCF-style: chr4-995490-T-A.
Other names: NM_000203.5(IDUA):c.613T>A; p.Cys205Ser; c.613T>A (NM_000203.3); c.217T>A, p.Cys73Ser (NM_001363576.1); short protein forms C205S, C73S.
Identifiers: ClinVar variation 2145829 (VCV002145829.3), dbSNP rs140294059, ClinGen allele CA2802031.

ClinVar aggregate classification (germline): Uncertain significance. Review status: reviewed by expert panel (3 of 4 stars). 4 submissions from 4 submitters: Uncertain significance (1). 3 of the submissions do not count toward it. Last evaluated 2026-01-05.

Conditions:
Mucopolysaccharidosis type 1. Also called: IDUA deficiency; MPS I; Mucopolysaccharidosis Type I. Identifiers: Orphanet 579, MedGen C0023786, MONDO:0001586.

Allele frequency attached by ClinVar (database versions not stated): ExAC 0.00002; gnomAD 0.00003; TOPMed 0.00004; gnomAD exomes below 0.00001; ESP Exome Variant Server 0.00008.
gnomAD v4.1: 10 of 1,600,148 alleles (0.00062%); highest among the groups gnomAD compares: African/African-American, 0.013%; no homozygotes.

Submissions (4):

ClinGen Lysosomal Storage Disorder Variant Curation Expert Panel
Classification: Uncertain significance for Mucopolysaccharidosis type 1. Last evaluated: 2026-01-05. Review status: reviewed by expert panel. Criteria: ClinGen LSD ACMG Specifications IDUA V1.2.0. Collection method: curation. Allele origin: germline. Inheritance: Autosomal recessive inheritance.
Comment: The NM_000203.5:c.613T>A variant in IDUA is a missense variant predicted to cause substitution of Cysteine by Serine at amino acid 205 (p.Cys205Ser). The highest population minor allele frequency in gnomAD v4.1.0 is 0.0000062 (10/1600148 alleles) in African/African-American populationwhich is lower than the ClinGen Lysosomal Diseases VCEP’s threshold for PM2_Supporting (<0.00025), meeting this criterion (PM2_Supporting). The computational predictor REVEL gives a score of 0.796 which is above the threshold of 0.773, evidence that correlates with impact to IDUA function at the moderate level based on the specifications of the ClinGen Lysosomal Diseases VCEP (PMID: 36413997) (PP3_Moderate). Another missense variant c.614G>A (p.Cys205Tyr), [ClinVar Variation ID: 1468875] in the same codon has been classified as likely pathogenic for MPS I by the ClinGen Lysosomal Diseases VCEP (PM5_Supporting). There is a ClinVar entry for this variant (Variation ID: 2145829). In summary, this variant meets the criteria to be classified as VUS for MPS I based on the IDUA-specific ACMG/AMP criteria applied, as specified by the ClinGen Lysosomal Diseases Variant Curation Expert Panel (Specifications Version 1.2.0): PM2_Supporting, PP3_Moderate, PM5_Supporting (Classification approved by the ClinGen Lysosomal Diseases Variant Curation Expert Panel on January 5, 2026)

GeneDx
Classification: Uncertain significance. Last evaluated: 2024-07-29. Review status: criteria provided, single submitter. Criteria: GeneDx Variant Classification Process June 2021. Collection method: clinical testing. Allele origin: germline. Affected: yes. Not counted in ClinVar's aggregate classification.
Comment: Not observed at significant frequency in large population cohorts (gnomAD); In silico analysis supports that this missense variant has a deleterious effect on protein structure/function; Has not been previously published as pathogenic or benign to our knowledge

Women's Health and Genetics/Laboratory Corporation of America, LabCorp
Classification: Uncertain significance. Last evaluated: 2024-05-16. Review status: criteria provided, single submitter. Criteria: LabCorp Variant Classification Summary - May 2015. Collection method: clinical testing. Allele origin: germline. Not counted in ClinVar's aggregate classification.
Comment: Variant summary: IDUA c.613T>A (p.Cys205Ser) results in a non-conservative amino acid change located in the glycosyl hydrolases family 39, N-terminal catalytic domain (IPR049166) of the encoded protein sequence. Four of five in-silico tools predict a damaging effect of the variant on protein function. The variant allele was found at a frequency of 8.7e-06 in 229796 control chromosomes (gnomAD). The available data on variant occurrences in the general population are insufficient to allow any conclusion about variant significance. To our knowledge, no occurrence of c.613T>A in individuals affected with Mucopolysaccharidosis Type 1 and no experimental evidence demonstrating its impact on protein function have been reported. ClinVar contains an entry for this variant (Variation ID: 2145829). Based on the evidence outlined above, the variant was classified as uncertain significance.

Labcorp Genetics (formerly Invitae), Labcorp
Classification: Uncertain significance for Mucopolysaccharidosis type 1. Last evaluated: 2022-10-17. Review status: criteria provided, single submitter. Criteria: Invitae Variant Classification Sherloc (09022015). Collection method: clinical testing. Allele origin: germline. Not counted in ClinVar's aggregate classification.
Comment: This sequence change replaces cysteine, which is neutral and slightly polar, with serine, which is neutral and polar, at codon 205 of the IDUA protein (p.Cys205Ser). This variant is present in population databases (rs140294059, gnomAD 0.02%). This variant has not been reported in the literature in individuals affected with IDUA-related conditions. Advanced modeling of protein sequence and biophysical properties (such as structural, functional, and spatial information, amino acid conservation, physicochemical variation, residue mobility, and thermodynamic stability) has been performed at Invitae for this missense variant, however the output from this modeling did not meet the statistical confidence thresholds required to predict the impact of this variant on IDUA protein function. In summary, the available evidence is currently insufficient to determine the role of this variant in disease. Therefore, it has been classified as a Variant of Uncertain Significance.